The following is an entry in ClinVar:

ClinVar aggregate classification (germline): Uncertain significance (1 of 4 stars; one submission).

Submission:

Labcorp Genetics (formerly Invitae), Labcorp
Classification: Uncertain significance. Last evaluated: 2023-03-20. Review status: criteria provided, single submitter. Criteria: Invitae Variant Classification Sherloc (09022015). Collection method: clinical testing. Allele origin: germline.
Comment: This sequence change falls in intron 12 of the ERBB2 gene. It does not directly change the encoded amino acid sequence of the ERBB2 protein. It affects a nucleotide within the consensus splice site. In summary, the available evidence is currently insufficient to determine the role of this variant in disease. Therefore, it has been classified as a Variant of Uncertain Significance. Variants that disrupt the consensus splice site are a relatively common cause of aberrant splicing (PMID: 17576681, 9536098). Algorithms developed to predict the effect of sequence changes on RNA splicing suggest that this variant may disrupt the consensus splice site. This variant has not been reported in the literature in individuals affected with ERBB2-related conditions. This variant is not present in population databases (gnomAD no frequency).

Literature cited by the submitters: PubMed 17576681; PubMed 9536098.

NM_004448.4(ERBB2):c.1513+3A>C

Gene: ERBB2 (erb-b2 receptor tyrosine kinase 2; plus strand). Cytogenetic location: 17q12.
Variant type: single nucleotide variant.
Coding change: c.1513+3A>C on transcript NM_004448.4 (MANE Select); 3 bases into the intron after coding-DNA position 1513, A replaced by C.
Molecular consequence: intron variant.
Genome position (GRCh38, 1-based): chr17:39,715,942, A>C. VCF-style: chr17-39715942-A-C. GRCh37 (hg19) VCF-style: chr17-37872195-A-C.
Other names: c.1423+3A>C (NM_001382782.1, NM_001005862.3, NM_001289938.2 and 1 more transcripts); c.1468+3A>C (NM_001289936.2); c.1588+3A>C (NM_001382787.1); c.1630+3A>C (NM_001382784.1, NM_001382786.1); c.1534+3A>C (NM_001382789.1); c.1513+3A>C (NM_001382788.1, NM_001382785.1, NM_001289937.2 and 12 more transcripts); c.1222+583A>C (NM_001382806.1); c.1255+3A>C (NM_001382802.1); and 3 more.
Identifiers: ClinVar variation 2847898 (VCV002847898.3), dbSNP rs2544258990, ClinGen allele CA2739265564.